The following is an entry in ClinVar:

ClinVar aggregate classification (germline): Pathogenic. Review status: criteria provided, single submitter (1 of 4 stars). 2 submissions from 2 submitters: Pathogenic (1). 1 of the submissions does not count toward it. Last evaluated 2025-08-08.

Conditions:
Neuronal ceroid lipofuscinosis. Also called: Neuronal Ceroid Lipofuscinoses. Identifiers: Orphanet 216, Orphanet 79263, MedGen C0027877, MONDO:0016295. Disease mechanism: loss of function.
Neuronal ceroid lipofuscinosis 3 (CLN3). Identifiers: Orphanet 228346, MedGen C0751383, MONDO:0008767, OMIM 204200.

Submissions (2):

Labcorp Genetics (formerly Invitae), Labcorp
Classification: Pathogenic for Neuronal ceroid lipofuscinosis. Last evaluated: 2025-08-08. Review status: criteria provided, single submitter. Criteria: Invitae Variant Classification Sherloc (09022015). Collection method: clinical testing. Allele origin: germline.
Comment: This sequence change creates a premature translational stop signal (p.Glu17*) in the CLN3 gene. It is expected to result in an absent or disrupted protein product. Loss-of-function variants in CLN3 are known to be pathogenic (PMID: 9311735, 28542676). This variant is not present in population databases (gnomAD no frequency). This premature translational stop signal has been observed in individual(s) with neuronal ceroid lipofuscinosis (PMID: 16087292). ClinVar contains an entry for this variant (Variation ID: 56276). Algorithms developed to predict the effect of sequence changes on RNA splicing suggest that this variant may create or strengthen a splice site. For these reasons, this variant has been classified as Pathogenic.

Juha Muilu Group; Institute for Molecular Medicine Finland (FIMM)
Classification: Likely pathogenic for Juvenile neuronal ceroid lipofuscinosis. Review status: no assertion criteria provided. Collection method: not provided. Allele origin: unknown. Not counted in ClinVar's aggregate classification.
Comment: FinDis database variant: This variant was not found or characterized by our laboratory, data were collected from public sources: see reference
ClinVar note: Converted during submission from probable-pathogenic to Likely pathogenic.

Literature cited by the submitters: PubMed 9311735 (cited by Labcorp Genetics (formerly Invitae), Labcorp); PubMed 28542676 (cited by Labcorp Genetics (formerly Invitae), Labcorp); PubMed 16087292 (cited by Labcorp Genetics (formerly Invitae), Labcorp).

NM_001042432.2(CLN3):c.49G>T (p.Glu17Ter)

Gene: CLN3 (CLN3 lysosomal/endosomal transmembrane protein, battenin; minus strand). Cytogenetic location: 16p12.1.
Variant type: single nucleotide variant.
Coding change: c.49G>T on transcript NM_001042432.2 (MANE Select); coding-DNA position 49, G replaced by T.
Protein change: p.Glu17Ter; replaces glutamic acid 17 with a stop codon.
Molecular consequence: nonsense. On other transcripts: intron variant (3).
Genome position (GRCh38, 1-based): chr16:28,491,558, C>A on the plus strand (G>T on the coding strand, the complement: CLN3 is on the minus strand). VCF-style: chr16-28491558-C-A. GRCh37 (hg19) VCF-style: chr16-28502879-C-A.
Other names: c.49G>T, p.Glu17Ter (NM_000086.2, NM_001286104.2); c.-38+156G>T (NM_001286109.2, NM_001286110.2); c.-96+156G>T (NM_001286105.2); short protein forms E17*.
Identifiers: ClinVar variation 56276 (VCV000056276.3), dbSNP rs386833726, ClinGen allele CA263691.